The following is an entry in ClinVar:

ClinVar aggregate classification (germline): Uncertain significance. Review status: criteria provided, multiple submitters, no conflicts (2 of 4 stars). 3 submissions from 3 submitters: Uncertain significance (3). Last evaluated 2024-06-07.

Conditions:
Inborn genetic diseases. Identifiers: MedGen C0950123, MeSH D030342.

Allele frequency attached by ClinVar (database versions not stated): ExAC 0.00001; gnomAD 0.00002.
gnomAD v4.1: 23 of 1,613,914 alleles (0.0014%); highest among the groups gnomAD compares: East Asian, 0.0067%; no homozygotes.

Submissions (3):

Ambry Genetics
Classification: Uncertain significance for Inborn genetic diseases. Last evaluated: 2024-06-07. Review status: criteria provided, single submitter. Criteria: Ambry Variant Classification Scheme 2023. Collection method: clinical testing. Allele origin: germline.

Labcorp Genetics (formerly Invitae), Labcorp
Classification: Uncertain significance. Last evaluated: 2023-10-13. Review status: criteria provided, single submitter. Criteria: Invitae Variant Classification Sherloc (09022015). Collection method: clinical testing. Allele origin: germline.
Comment: This sequence change replaces tyrosine, which is neutral and polar, with cysteine, which is neutral and slightly polar, at codon 932 of the DENND5A protein (p.Tyr932Cys). This variant is present in population databases (rs768741195, gnomAD 0.006%). This variant has not been reported in the literature in individuals affected with DENND5A-related conditions. ClinVar contains an entry for this variant (Variation ID: 1908362). Advanced modeling of protein sequence and biophysical properties (such as structural, functional, and spatial information, amino acid conservation, physicochemical variation, residue mobility, and thermodynamic stability) performed at Invitae indicates that this missense variant is not expected to disrupt DENND5A protein function. In summary, the available evidence is currently insufficient to determine the role of this variant in disease. Therefore, it has been classified as a Variant of Uncertain Significance.

GeneDx
Classification: Uncertain significance. Last evaluated: 2022-07-29. Review status: criteria provided, single submitter. Criteria: GeneDx Variant Classification Process June 2021. Collection method: clinical testing. Allele origin: germline. Affected: yes.
Comment: In silico analysis supports that this missense variant has a deleterious effect on protein structure/function; Has not been previously published as pathogenic or benign to our knowledge

NM_015213.4(DENND5A):c.2795A>G (p.Tyr932Cys)

Gene: DENND5A (DENN domain containing 5A; minus strand). Cytogenetic location: 11p15.4.
Variant type: single nucleotide variant.
Coding change: c.2795A>G on transcript NM_015213.4 (MANE Select); coding-DNA position 2795, A replaced by G.
Protein change: p.Tyr932Cys; replaces tyrosine 932 with cysteine.
Molecular consequence: missense variant. On other transcripts: non-coding transcript variant (1).
Genome position (GRCh38, 1-based): chr11:9,147,092, T>C on the plus strand (A>G on the coding strand, the complement: DENND5A is on the minus strand). VCF-style: chr11-9147092-T-C. GRCh37 (hg19) VCF-style: chr11-9168639-T-C.
Other names: c.2795A>G, p.Tyr932Cys (NM_001243254.2, NM_001348748.1); c.2723A>G, p.Tyr908Cys (NM_001348749.2); c.2507A>G, p.Tyr836Cys (NM_001348750.2); c.2795A>G (NM_015213.3); short protein forms Y932C, Y836C, Y908C.
Identifiers: ClinVar variation 1908362 (VCV001908362.5), dbSNP rs768741195, ClinGen allele CA5877227.